The following is an entry in ClinVar:

ClinVar aggregate classification (germline): Uncertain significance (1 of 4 stars; one submission).

Conditions:
EGFR-related lung cancer (EGFR). Identifiers: MedGen CN130014.

gnomAD v4.1: 6 of 1,614,042 alleles (0.00037%); highest among the groups gnomAD compares: South Asian, 0.0033%; no homozygotes.

Submission:

Labcorp Genetics (formerly Invitae), Labcorp
Classification: Uncertain significance for EGFR-related lung cancer. Last evaluated: 2022-01-26. Review status: criteria provided, single submitter. Criteria: Invitae Variant Classification Sherloc (09022015). Collection method: clinical testing. Allele origin: germline.
Comment: This variant has not been reported in the literature in individuals affected with EGFR-related conditions. This sequence change replaces proline, which is neutral and non-polar, with glutamine, which is neutral and polar, at codon 848 of the EGFR protein (p.Pro848Gln). This variant is present in population databases (no rsID available, gnomAD 0.006%). ClinVar contains an entry for this variant (Variation ID: 847949). Algorithms developed to predict the effect of missense changes on protein structure and function are either unavailable or do not agree on the potential impact of this missense change (SIFT: "Tolerated"; PolyPhen-2: "Probably Damaging"; Align-GVGD: "Class C0"). In summary, the available evidence is currently insufficient to determine the role of this variant in disease. Therefore, it has been classified as a Variant of Uncertain Significance.

NM_005228.5(EGFR):c.2543C>A (p.Pro848Gln)

Gene: EGFR (epidermal growth factor receptor; plus strand). Cytogenetic location: 7p11.2.
Variant type: single nucleotide variant.
Coding change: c.2543C>A on transcript NM_005228.5 (MANE Select); coding-DNA position 2543, C replaced by A.
Protein change: p.Pro848Gln; replaces proline 848 with glutamine.
Molecular consequence: missense variant.
Genome position (GRCh38, 1-based): chr7:55,191,792, C>A. VCF-style: chr7-55191792-C-A. GRCh37 (hg19) VCF-style: chr7-55259485-C-A.
Other names: c.2408C>A, p.Pro803Gln (NM_001346897.2, NM_001346899.2); c.2543C>A, p.Pro848Gln (NM_001346898.2); c.2384C>A, p.Pro795Gln (NM_001346900.2); c.1742C>A, p.Pro581Gln (NM_001346941.2); short protein forms P795Q, P803Q, P581Q, P848Q.
Identifiers: ClinVar variation 847949 (VCV000847949.11), dbSNP rs148934350, ClinGen allele CA367580209.
Genomic context (GRCh38, chr7:55,191,792, plus strand): 5'-TGGAGGACCGTCGCTTGGTGCACCGCGACCTGGCAGCCAGGAACGTACTGGTGAAAACAC[C>A]GCAGCATGTCAAGATCACAGATTTTGGGCTGGCCAAACTGCTGGGTGCGGAAGAGAAAGA-3'
Protein context (NP_005219.2, residues 838-858): LAARNVLVKT[Pro848Gln]QHVKITDFGL